The following is an entry in ClinVar:

ClinVar aggregate classification (germline): Uncertain significance (1 of 4 stars; one submission).

Conditions:
Hereditary cancer-predisposing syndrome. Also called: Neoplastic Syndromes, Hereditary; Tumor predisposition; Hereditary Cancer Syndrome; Hereditary neoplastic syndrome. Identifiers: Orphanet 140162, MedGen C0027672, MeSH D009386, MONDO:0015356.

Submission:

Ambry Genetics
Classification: Uncertain significance for Hereditary cancer-predisposing syndrome. Last evaluated: 2019-08-29. Review status: criteria provided, single submitter. Criteria: Ambry Variant Classification Scheme 2023. Collection method: clinical testing. Allele origin: germline.
Comment: The p.Y799C variant (also known as c.2396A>G), located in coding exon 15 of the APC gene, results from an A to G substitution at nucleotide position 2396. The tyrosine at codon 799 is replaced by cysteine, an amino acid with highly dissimilar properties. This amino acid position is highly conserved in available vertebrate species. In addition, in silico predictors for this gene do not accurately predict pathogenicity. Since supporting evidence is limited at this time, the clinical significance of this alteration remains unclear.

NM_000038.6(APC):c.2396A>G (p.Tyr799Cys)

Gene: APC (APC regulator of Wnt signaling pathway; plus strand). Cytogenetic location: 5q22.2.
Variant type: single nucleotide variant.
Coding change: c.2396A>G on transcript NM_000038.6 (MANE Select); coding-DNA position 2396, A replaced by G.
Protein change: p.Tyr799Cys; replaces tyrosine 799 with cysteine.
Molecular consequence: missense variant.
Genome position (GRCh38, 1-based): chr5:112,837,990, A>G. VCF-style: chr5-112837990-A-G. GRCh37 (hg19) VCF-style: chr5-112173687-A-G.
Other names: c.2396A>G, p.Tyr799Cys (NM_001127510.3, NM_001354895.2); c.2342A>G, p.Tyr781Cys (NM_001127511.3); c.2450A>G, p.Tyr817Cys (NM_001354896.2); c.2426A>G, p.Tyr809Cys (NM_001354897.2); c.2321A>G, p.Tyr774Cys (NM_001354898.2); c.2312A>G, p.Tyr771Cys (NM_001354899.2); c.2273A>G, p.Tyr758Cys (NM_001354900.2); c.2219A>G, p.Tyr740Cys (NM_001354901.2); and 5 more; short protein forms Y740C, Y774C, Y799C, Y708C, Y771C, Y781C, Y809C, Y817C.
Identifiers: ClinVar variation 821207 (VCV000821207.4), dbSNP rs746876384, ClinGen allele CA16026598.